The following is an entry in ClinVar:

ClinVar aggregate classification (germline): Conflicting classifications of pathogenicity. Review status: criteria provided, conflicting classifications (1 of 4 stars). 5 submissions from 5 submitters: Uncertain significance (3); Likely benign (1). 1 of the submissions does not count toward it. Last evaluated 2026-02-01.

Conditions:
Inborn genetic diseases. Identifiers: MedGen C0950123, MeSH D030342.
NEB-related disorder. Also called: NEB-related condition; NEB-Related Disorders.
Nemaline myopathy 2 (NEM2). Also called: Nemaline myopathy 2, autosomal recessive. Identifiers: MedGen C1850569, MONDO:0009725, OMIM 256030.

Allele frequency attached by ClinVar (database versions not stated): gnomAD exomes 0.00006 and 0.00014; ESP Exome Variant Server 0.00016; ExAC 0.00017; 1000 Genomes Project 0.00060; 1000 Genomes Project 30x 0.00062; gnomAD 0.00068 and 0.00071; TOPMed 0.00083.
gnomAD v4.1: 217 of 1,613,874 alleles (0.013%); highest among the groups gnomAD compares: African/African-American, 0.19%; no homozygotes.

Submissions (5):

Labcorp Genetics (formerly Invitae), Labcorp
Classification: Likely benign for Nemaline myopathy 2. Last evaluated: 2026-02-01. Review status: criteria provided, single submitter. Criteria: Invitae Variant Classification Sherloc (09022015). Collection method: clinical testing. Allele origin: germline.

Women's Health and Genetics/Laboratory Corporation of America, LabCorp
Classification: Uncertain significance. Last evaluated: 2023-08-23. Review status: criteria provided, single submitter. Criteria: LabCorp Variant Classification Summary - May 2015. Collection method: clinical testing. Allele origin: germline.
Comment: Variant summary: NEB c.3184A>G (p.Lys1062Glu) results in a conservative amino acid change in the encoded protein sequence. Three of five in-silico tools predict a damaging effect of the variant on protein function. The variant allele was found at a frequency of 0.00021 in 280622 control chromosomes (gnomAD), predominantly at a frequency of 0.0019 within the African or African-American subpopulation in the gnomAD database. This frequency is not significantly higher than estimated for a pathogenic variant in NEB causing Nemaline Myopathy 2 (0.00021 vs 0.0035), allowing no conclusion about variant significance. To our knowledge, no occurrence of c.3184A>G in individuals affected with Nemaline Myopathy 2 and no experimental evidence demonstrating its impact on protein function have been reported. Two ClinVar submitters have assessed the variant since 2014: one classified the variant as likely benign, and one classified the variant as uncertain significance. Based on the evidence outlined above, the variant was classified as uncertain significance.

Athena Diagnostics
Classification: Uncertain significance. Last evaluated: 2023-07-13. Review status: criteria provided, single submitter. Criteria: Athena Diagnostics Criteria. Collection method: clinical testing. Allele origin: unknown.
Comment: Available data are insufficient to determine the clinical significance of the variant at this time. The frequency of this variant in the general population is higher than would generally be expected for pathogenic variants in this gene. Computational tools disagree on the variant's effect on normal protein function.

Ambry Genetics
Classification: Uncertain significance for Inborn genetic diseases. Last evaluated: 2021-07-21. Review status: criteria provided, single submitter. Criteria: Ambry Variant Classification Scheme 2023. Collection method: clinical testing. Allele origin: germline.

PreventionGenetics, part of Exact Sciences
Classification: Likely benign for NEB-related condition. Last evaluated: 2022-08-01. Review status: no assertion criteria provided. Collection method: clinical testing. Allele origin: germline. Not counted in ClinVar's aggregate classification.
Comment: This variant is classified as likely benign based on ACMG/AMP sequence variant interpretation guidelines (Richards et al. 2015 PMID: 25741868, with internal and published modifications).

NM_001164508.2(NEB):c.3184A>G (p.Lys1062Glu)

Gene: NEB (nebulin; minus strand). Cytogenetic location: 2q23.3.
Variant type: single nucleotide variant.
Coding change: c.3184A>G on transcript NM_001164508.2 (MANE Select); coding-DNA position 3184, A replaced by G.
Protein change: p.Lys1062Glu; replaces lysine 1062 with glutamic acid.
Molecular consequence: missense variant.
Genome position (GRCh38, 1-based): chr2:151,679,792, T>C on the plus strand (A>G on the coding strand, the complement: NEB is on the minus strand). VCF-style: chr2-151679792-T-C. GRCh37 (hg19) VCF-style: chr2-152536306-T-C.
Other names: c.3184A>G (NM_004543.4); c.3184A>G, p.Lys1062Glu (NM_001164507.2, NM_001271208.2, NM_004543.5); short protein forms K1062E.
Identifiers: ClinVar variation 465598 (VCV000465598.16), dbSNP rs192117840, ClinGen allele CA1910979.